The following is an entry in ClinVar:

ClinVar aggregate classification (germline): Uncertain significance (0 of 4 stars; one submission).

Conditions:
CDK13-related disorder. Also called: CDK13-related condition. Identifiers: MedGen C5816700.

Submission:

PreventionGenetics, part of Exact Sciences
Classification: Uncertain significance for CDK13-related condition. Last evaluated: 2024-07-30. Review status: no assertion criteria provided. Collection method: clinical testing. Allele origin: germline.
Comment: The CDK13 c.817G>A variant is predicted to result in the amino acid substitution p.Asp273Asn. To our knowledge, this variant has not been reported in the literature or in gnomAD, indicating this variant is rare. At this time, the clinical significance of this variant is uncertain due to the absence of conclusive functional and genetic evidence.

NM_003718.5(CDK13):c.817G>A (p.Asp273Asn)

Gene: CDK13 (cyclin dependent kinase 13; plus strand). Cytogenetic location: 7p14.1.
Variant type: single nucleotide variant.
Coding change: c.817G>A on transcript NM_003718.5 (MANE Select); coding-DNA position 817, G replaced by A.
Protein change: p.Asp273Asn; replaces aspartic acid 273 with asparagine.
Molecular consequence: missense variant.
Genome position (GRCh38, 1-based): chr7:39,951,458, G>A. VCF-style: chr7-39951458-G-A. GRCh37 (hg19) VCF-style: chr7-39991057-G-A.
Other names: c.817G>A, p.Asp273Asn (NM_031267.4); short protein forms D273N.
Identifiers: ClinVar variation 2636662 (VCV002636662.2), dbSNP rs1326258771, ClinGen allele CA367310554.